The following is an entry in ClinVar:

ClinVar aggregate classification (germline): Uncertain significance. Review status: criteria provided, multiple submitters, no conflicts (2 of 4 stars). 2 submissions from 2 submitters: Uncertain significance (2). Last evaluated 2026-08-04.

Conditions:
HNF1B-related disorder. Also called: HNF1B-related condition; HNF1B-related disorders.
Renal cysts and diabetes syndrome (RCAD). Also called: Familial hypoplastic, glomerulocystic kidney; MATURITY-ONSET DIABETES OF THE YOUNG, TYPE 5. Identifiers: Orphanet 93111, MedGen C0431693, MONDO:0007669, OMIM 137920.

gnomAD v4.1: 1 of 1,614,014 alleles (0.000062%); highest among the groups gnomAD compares: Non-Finnish European, 0.000085%; no homozygotes.

Submissions (2):

PreventionGenetics, part of Exact Sciences
Classification: Uncertain significance for HNF1B-related condition. Last evaluated: 2026-08-04. Review status: criteria provided, single submitter. Criteria: ACMG Guidelines, 2015. Collection method: clinical testing. Allele origin: germline.
Comment: The HNF1B c.1001C>T variant is predicted to result in the amino acid substitution p.Ser334Phe. To our knowledge, this variant has not been reported in the literature or in a large population database (gnomAD), indicating this variant is rare. An alternate substitution of the same amino acid (p.Ser334Thr) has been reported in a study of dyslipidemia patients, although pathogenicity was not established (Supplemental Table 3, Dron et al. 2020. PubMed ID: 32041611). At this time, the clinical significance of this variant is uncertain due to the absence of conclusive functional and genetic evidence.

3billion
Classification: Uncertain significance for Renal cysts and diabetes syndrome. Last evaluated: 2022-01-03. Review status: criteria provided, single submitter. Criteria: ACMG Guidelines, 2015. Collection method: clinical testing. Allele origin: germline. Affected: yes. Observed: 1 heterozygote.
Comment: The variant is not observed in the gnomAD v2.1.1 dataset (PM2_M). In silico tool predictions suggest damaging effect of the variant on gene or gene product (REVEL: 0.783, 3CNET: 0.953, PP3_P). Therefore, this variant is classified as uncertain significance according to the recommendation of ACMG/AMP guideline.

NM_000458.4(HNF1B):c.1001C>T (p.Ser334Phe)

Gene: HNF1B (HNF1 homeobox B; minus strand). Cytogenetic location: 17q12.
Variant type: single nucleotide variant.
Coding change: c.1001C>T on transcript NM_000458.4 (MANE Select); coding-DNA position 1001, C replaced by T.
Protein change: p.Ser334Phe; replaces serine 334 with phenylalanine.
Molecular consequence: missense variant.
Genome position (GRCh38, 1-based): chr17:37,731,639, G>A on the plus strand (C>T on the coding strand, the complement: HNF1B is on the minus strand). VCF-style: chr17-37731639-G-A. GRCh37 (hg19) VCF-style: chr17-36091630-G-A.
Other names: c.1001C>T (NM_000458.3); c.923C>T, p.Ser308Phe (NM_001165923.4, NM_001304286.2); short protein forms S308F, S334F.
Identifiers: ClinVar variation 1333507 (VCV001333507.2), dbSNP rs776928989, ClinGen allele CA398746206.